The following is an entry in ClinVar:

NM_025216.3(WNT10A):c.177A>T (p.Thr59=)

Gene: WNT10A (Wnt family member 10A; plus strand). Cytogenetic location: 2q35.
Variant type: single nucleotide variant.
Coding change: c.177A>T on transcript NM_025216.3 (MANE Select); coding-DNA position 177, A replaced by T.
Protein change: p.Thr59=; no amino-acid change (threonine 59 retained).
Molecular consequence: synonymous variant.
Genome position (GRCh38, 1-based): chr2:218,882,224, A>T. VCF-style: chr2-218882224-A-T. GRCh37 (hg19) VCF-style: chr2-219746946-A-T.
Other names: c.177A>T (NM_025216.2).
Identifiers: ClinVar variation 1596370 (VCV001596370.9), dbSNP rs765843965, ClinGen allele CA2113853.

ClinVar aggregate classification (germline): Likely benign. Review status: criteria provided, multiple submitters, no conflicts (2 of 4 stars). 2 submissions from 2 submitters: Likely benign (2). Last evaluated 2024-11-14.

Conditions:
WNT10A-related disorder. Also called: WNT10A-related disorders; WNT10A-related condition.
Odonto-onycho-dermal dysplasia. Identifiers: Orphanet 2721, MedGen C0796093, MONDO:0009773, OMIM 257980.
Tooth agenesis, selective, 4 (STHAG4). Also called: LATERAL INCISORS, ABSENCE OF; LATERAL INCISORS, PEGGED OR MISSING; SUCCEDANEOUS TEETH, AGENESIS OF; TOOTH AGENESIS, SELECTIVE, 4, WITH OR WITHOUT ECTODERMAL DYSPLASIA. Identifiers: Orphanet 99798, MedGen C1835492, MONDO:0007881, OMIM 150400. Disease mechanism: loss of function.

Allele frequency attached by ClinVar (database versions not stated): gnomAD exomes below 0.00001 and 0.00002; TOPMed below 0.00001; ExAC 0.00001.
gnomAD v4.1: 4 of 1,614,128 alleles (0.00025%); highest among the groups gnomAD compares: East Asian, 0.0089%; no homozygotes.

Submissions (2):

PreventionGenetics, part of Exact Sciences
Classification: Likely benign for WNT10A-related condition. Last evaluated: 2024-11-14. Review status: criteria provided, single submitter. Criteria: ACMG Guidelines, 2015. Collection method: clinical testing. Allele origin: germline.
Comment: This variant is classified as likely benign based on ACMG/AMP sequence variant interpretation guidelines (Richards et al. 2015 PMID: 25741868, with internal and published modifications).

Labcorp Genetics (formerly Invitae), Labcorp
Classification: Likely benign for Tooth agenesis, selective, 4; Odonto-onycho-dermal dysplasia. Last evaluated: 2024-02-19. Review status: criteria provided, single submitter. Criteria: Invitae Variant Classification Sherloc (09022015). Collection method: clinical testing. Allele origin: germline.